The following is an entry in ClinVar:

ClinVar aggregate classification (germline): Uncertain significance. Review status: criteria provided, multiple submitters, no conflicts (2 of 4 stars). 4 submissions from 4 submitters: Uncertain significance (4). Last evaluated 2025-12-15.

Conditions:
Inborn genetic diseases. Identifiers: MedGen C0950123, MeSH D030342.
Bardet-Biedl syndrome (BBS). Identifiers: Orphanet 110, MedGen C0752166, MONDO:0015229.
TTC8-related disorder. Also called: TTC8-related condition.

gnomAD v4.1: 7 of 1,614,072 alleles (0.00043%); highest among the groups gnomAD compares: African/African-American, 0.0027%; no homozygotes.

Submissions (4):

PreventionGenetics, part of Exact Sciences
Classification: Uncertain significance for TTC8-related condition. Last evaluated: 2025-12-15. Review status: criteria provided, single submitter. Criteria: ACMG Guidelines, 2015. Collection method: clinical testing. Allele origin: germline.
Comment: The TTC8 c.1154G>A variant is predicted to result in the amino acid substitution p.Arg385His. To our knowledge, this variant has not been reported in the literature. This variant is reported in 0.0054% of alleles in individuals of East Asian descent in gnomAD. At this time, the clinical significance of this variant is uncertain due to the absence of conclusive functional and genetic evidence.

Ambry Genetics
Classification: Uncertain significance for Inborn genetic diseases. Last evaluated: 2025-02-22. Review status: criteria provided, single submitter. Criteria: Ambry Variant Classification Scheme 2023. Collection method: clinical testing. Allele origin: germline.

Labcorp Genetics (formerly Invitae), Labcorp
Classification: Uncertain significance for Bardet-Biedl syndrome. Last evaluated: 2022-11-15. Review status: criteria provided, single submitter. Criteria: Invitae Variant Classification Sherloc (09022015). Collection method: clinical testing. Allele origin: germline.
Comment: This sequence change replaces arginine, which is basic and polar, with histidine, which is basic and polar, at codon 375 of the TTC8 protein (p.Arg375His). This variant is present in population databases (no rsID available, gnomAD 0.01%). In summary, the available evidence is currently insufficient to determine the role of this variant in disease. Therefore, it has been classified as a Variant of Uncertain Significance. Advanced modeling of protein sequence and biophysical properties (such as structural, functional, and spatial information, amino acid conservation, physicochemical variation, residue mobility, and thermodynamic stability) performed at Invitae indicates that this missense variant is not expected to disrupt TTC8 protein function. This variant has not been reported in the literature in individuals affected with TTC8-related conditions.

Blueprint Genetics
Classification: Uncertain significance. Last evaluated: 2022-04-26. Review status: criteria provided, single submitter. Criteria: ACMG Guidelines, 2015. Collection method: clinical testing. Allele origin: germline.

NM_144596.4(TTC8):c.1154G>A (p.Arg385His)

Gene: TTC8 (tetratricopeptide repeat domain 8; plus strand). Cytogenetic location: 14q31.3.
Variant type: single nucleotide variant.
Coding change: c.1154G>A on transcript NM_144596.4 (MANE Select); coding-DNA position 1154, G replaced by A.
Protein change: p.Arg385His; replaces arginine 385 with histidine.
Molecular consequence: missense variant. On other transcripts: non-coding transcript variant (1).
Genome position (GRCh38, 1-based): chr14:88,871,653, G>A. VCF-style: chr14-88871653-G-A. GRCh37 (hg19) VCF-style: chr14-89337997-G-A.
Other names: c.1124G>A (NM_198309.2); c.1202G>A, p.Arg401His (NM_001288781.1); c.560G>A, p.Arg187His (NM_001288782.1); c.437G>A, p.Arg146His (NM_001288783.1); c.1124G>A, p.Arg375His (NM_001366535.2, NM_198309.3); c.1034G>A, p.Arg345His (NM_001366536.2, NM_198310.3); c.1154G>A (NM_144596.3); short protein forms R187H, R345H, R375H, R146H, R385H, R401H.
Identifiers: ClinVar variation 2149450 (VCV002149450.5), dbSNP rs1201893672, ClinGen allele CA390552040.